The following is an entry in ClinVar:

ClinVar aggregate classification (germline): Likely pathogenic (1 of 4 stars; one submission).

Conditions:
EPHB4-related disorder. Also called: EPHB4-related condition; EPHB4-related disorders.

Submission:

PreventionGenetics, part of Exact Sciences
Classification: Likely pathogenic for EPHB4-related condition. Last evaluated: 2026-02-28. Review status: criteria provided, single submitter. Criteria: ACMG Guidelines, 2015. Collection method: clinical testing. Allele origin: germline.
Comment: The EPHB4 c.1634delC variant is predicted to result in a frameshift and premature protein termination (p.Ala545Glufs*59). To our knowledge, this variant has not been reported in the literature or in a large population database (gnomAD), indicating this variant is rare. Frameshift variants in EPHB4 are expected to be pathogenic. This variant is interpreted as likely pathogenic.

NM_004444.5(EPHB4):c.1634del (p.Ala545fs)

Gene: EPHB4 (EPH receptor B4; minus strand). Cytogenetic location: 7q22.1.
Variant type: Deletion.
Coding change: c.1634del on transcript NM_004444.5 (MANE Select); coding-DNA position 1634, one base deleted (C; older notation c.1634delC).
Protein change: p.Ala545fs; shifts the reading frame from alanine 545.
Molecular consequence: frameshift variant.
Genome position (GRCh38, 1-based): chr7:100,813,976, G deleted on the plus strand (C on the coding strand, the reverse complement: EPHB4 is on the minus strand). VCF-style (leftmost placement, unchanged base first): chr7-100813975-TG-T. GRCh37 (hg19) VCF-style: chr7-100411597-TG-T.
Other names: short protein forms A545fs.
Identifiers: ClinVar variation 4996639 (VCV004996639.1).
Genomic context (GRCh38, chr7:100,813,975, plus strand): 5'-TTACCTGAGGCAGAGAACTGCGACCACAATGACCACCAGGACCAGGACCACACCCACGAC[TG>T]CCGTGCCCGCAATCAGGGCCAGCTGCTCCCGCCAGCCCTCGCTCTCTGCGGAAGGAAAGG-3'